The following is an entry in ClinVar:

NM_000545.8(HNF1A):c.59G>A (p.Gly20Glu)

Gene: HNF1A (HNF1 homeobox A; plus strand). Cytogenetic location: 12q24.31.
Variant type: single nucleotide variant.
Coding change: c.59G>A on transcript NM_000545.8 (MANE Select); coding-DNA position 59, G replaced by A.
Protein change: p.Gly20Glu; replaces glycine 20 with glutamic acid.
Molecular consequence: missense variant.
Genome position (GRCh38, 1-based): chr12:120,978,827, G>A. VCF-style: chr12-120978827-G-A. GRCh37 (hg19) VCF-style: chr12-121416630-G-A.
Other names: NM_001306179.2:c.59G>A; c.59G>A, p.Gly20Glu (NM_001306179.2); short protein forms G20E.
Identifiers: ClinVar variation 1327598 (VCV001327598.4), dbSNP rs1566092362, ClinGen allele CA386952580.

ClinVar aggregate classification (germline): Likely pathogenic (3 of 4 stars; one submission).

Conditions:
Monogenic diabetes. Identifiers: Orphanet 183625, MedGen C3888631, MONDO:0015967.

Submission:

ClinGen Monogenic Diabetes Variant Curation Expert Panel
Classification: Likely pathogenic for Monogenic diabetes. Last evaluated: 2025-07-24. Review status: reviewed by expert panel. Criteria: ClinGen Diabetes ACMG Specifications HNF1A V3.0.0. Collection method: curation. Allele origin: germline. Inheritance: Autosomal dominant inheritance.
Comment: The c.59G>A variant in the HNF1 homeobox A gene, HNF1A, causes an amino acid change of glycine to glutamic acid at codon 20 (p.(G20E)) of NM_000545.8. This variant is located within the dimerization domain (codons 1-32) of HNF1A, which is defined as critical for the protein’s function by the ClinGen MDEP (PM1_Supporting). This variant is also predicted to be deleterious by computational evidence, with a REVEL score of 0.952, which is greater than the MDEP threshold of 0.70 (PP3). Additionally, Another missense variant, c.58G>A (p.Gly20Arg), has been classified as pathogenic by the ClinGen MDEP but has a greater Grantham distance than p.Gly20Glu (PM5_Supporting). This variant is absent in gnomAD v2.1.1 and v4.1.0 (PM2_Supporting). Additionally, this variant was identified in a family with non-autoimmune and non-absolute/near-absolute insulin-deficient diabetes, and segregated with diabetes with eight informative meioses in one family with MODY (PP1_Strong; PMID: 27323672). At least one individual in this family had a clinical history suggestive of HNF1A-MODY (MODY probability calculator result >50%); however, HNF4A was not tested (PMID: 27323672). Taken together, this evidence supports the classification of c.59G>A as likely pathogenic for monogenic diabetes. ACMG/AMP criteria applied, as specified by the ClinGen MDEP VCEP (specification version 3.0.0, approved 6/30/2025): PP1_strong, PP3, PM1_supporting, PM2_supporting, PM5_supporting.

Literature cited by the submitters: PubMed 27323672.